The following is an entry in ClinVar:

ClinVar aggregate classification (germline): Likely pathogenic (1 of 4 stars; one submission).

Conditions:
Rhabdoid tumor predisposition syndrome 2 (RTPS2). Identifiers: Orphanet 231108, Orphanet 69077, MedGen C2750074, MONDO:0013224, OMIM 613325.

Submission:

Labcorp Genetics (formerly Invitae), Labcorp
Classification: Likely pathogenic for Rhabdoid tumor predisposition syndrome 2. Last evaluated: 2022-01-05. Review status: criteria provided, single submitter. Criteria: Invitae Variant Classification Sherloc (09022015). Collection method: clinical testing. Allele origin: germline.
Comment: This variant results in a copy number gain of the genomic region encompassing exon(s) 32-33 of the SMARCA4 gene. While the exact position of this variant cannot be determined from the data, sub-genic copy number gains are generally in tandem (PMID: 25640679). This variant is predicted to be out-of-frame, and may result in an absent or disrupted protein product. Loss-of-function variants in SMARCA4 are known to be pathogenic (PMID: 24658001, 24658002). In summary, the currently available evidence indicates that the variant is pathogenic, but additional data are needed to prove that conclusively. Therefore, this variant has been classified as Likely Pathogenic. This variant has not been reported in the literature in individuals affected with SMARCA4-related conditions.

Literature cited by the submitters: PubMed 25640679; PubMed 24658001; PubMed 24658002.

NC_000019.9:g.(?_11168921)_(11169575_?)dup

Gene: SMARCA4 (SWI/SNF related BAF chromatin remodeling complex subunit ATPase 4; plus strand). Cytogenetic location: 19p13.2.
Variant type: Duplication.
Identifiers: ClinVar variation 2423779 (VCV002423779.4).